The following is an entry in ClinVar:

NM_005732.4(RAD50):c.3598C>T (p.Arg1200Ter)

Genes: TH2-LCR (Th2 cytokine locus control region; plus strand), TH2LCRR (T helper type 2 locus control region associated RNA; minus strand), RAD50 (RAD50 double strand break repair protein; plus strand). Cytogenetic location: 5q31.1.
Variant type: single nucleotide variant.
Coding change: c.3598C>T on transcript NM_005732.4 (MANE Select); coding-DNA position 3598, C replaced by T.
Protein change: p.Arg1200Ter; replaces arginine 1200 with a stop codon.
Molecular consequence: nonsense. On other transcripts: non-coding transcript variant (3).
Genome position (GRCh38, 1-based): chr5:132,638,203, C>T. VCF-style: chr5-132638203-C-T. GRCh37 (hg19) VCF-style: chr5-131973895-C-T.
Other names: short protein forms R1200*.
Identifiers: ClinVar variation 184879 (VCV000184879.20), dbSNP rs750586158, ClinGen allele CA190352.

ClinVar aggregate classification (germline): Pathogenic/Likely pathogenic. Review status: criteria provided, multiple submitters, no conflicts (2 of 4 stars). 6 submissions from 6 submitters: Pathogenic (4); Likely pathogenic (2). Last evaluated 2025-12-14.

Conditions:
Hereditary cancer-predisposing syndrome. Also called: Hereditary neoplastic syndrome; Neoplastic Syndromes, Hereditary; Tumor predisposition; Hereditary Cancer Syndrome. Identifiers: Orphanet 140162, MedGen C0027672, MeSH D009386, MONDO:0015356.
Nijmegen breakage syndrome-like disorder (NBSLD). Also called: MICROCEPHALY AND SPONTANEOUS CHROMOSOME INSTABILITY WITHOUT IMMUNODEFICIENCY; NBS-LIKE DISORDER; RAD50 DEFICIENCY. Identifiers: Orphanet 240760, MedGen C2751318, MONDO:0013118, OMIM 613078.

Allele frequency attached by ClinVar (database versions not stated): gnomAD 0.00001; gnomAD exomes 0.00001 and 0.00002; TOPMed 0.00002; ExAC 0.00003.
gnomAD v4.1: 35 of 1,613,956 alleles (0.0022%); highest among the groups gnomAD compares: South Asian, 0.0033%; no homozygotes.

Submissions (6):

Labcorp Genetics (formerly Invitae), Labcorp
Classification: Pathogenic for Hereditary cancer-predisposing syndrome. Last evaluated: 2025-12-14. Review status: criteria provided, single submitter. Criteria: Invitae Variant Classification Sherloc (09022015). Collection method: clinical testing. Allele origin: germline.
Comment: This sequence change creates a premature translational stop signal (p.Arg1200*) in the RAD50 gene. It is expected to result in an absent or disrupted protein product. Loss-of-function variants in RAD50 are known to be pathogenic (PMID: 19409520). This variant is present in population databases (rs750586158, gnomAD 0.003%). This variant has not been reported in the literature in individuals affected with RAD50-related conditions. ClinVar contains an entry for this variant (Variation ID: 184879). For these reasons, this variant has been classified as Pathogenic.

Quest Diagnostics Nichols Institute San Juan Capistrano
Classification: Likely pathogenic. Last evaluated: 2024-09-26. Review status: criteria provided, single submitter. Criteria: Quest Diagnostics criteria. Collection method: clinical testing. Allele origin: unknown.
Comment: The RAD50 c.3598C>T (p.Arg1200*) variant is predicted to cause the premature termination of RAD50 protein synthesis. This variant has been reported in the published literature in individuals with breast cancer (PMID: 34371384 (2021), 38355628 (2024)), glioblastoma multiforme (PMID: 36451132 (2022), 29625052 (2018)), lung cancer (PMID: 31721094 (2018)), endometrial cancer (PMID: 29625052 (2018)), and colon cancer (PMID: 30267214 (2018)). This variant has also been observed in a reportedly healthy individual (PMID: 33471991 (2021), see also LOVD). The frequency of this variant in the general population, 0.000012 (3/251342 chromosomes (Genome Aggregation Database)), is uninformative in the assessment of its pathogenicity. Based on the available information, this variant is classified as likely pathogenic.

Fulgent Genetics
Classification: Pathogenic for Nijmegen breakage syndrome-like disorder. Last evaluated: 2024-02-21. Review status: criteria provided, single submitter. Criteria: ACMG Guidelines, 2015. Collection method: clinical testing. Allele origin: germline.

Baylor Genetics
Classification: Pathogenic for Nijmegen breakage syndrome-like disorder. Last evaluated: 2023-09-11. Review status: criteria provided, single submitter. Criteria: ACMG Guidelines, 2015. Collection method: clinical testing. Allele origin: unknown.

Ambry Genetics
Classification: Pathogenic for Hereditary cancer-predisposing syndrome. Last evaluated: 2021-09-16. Review status: criteria provided, single submitter. Criteria: Ambry Variant Classification Scheme 2023. Collection method: clinical testing. Allele origin: germline.
Comment: The p.R1200* pathogenic mutation (also known as c.3598C>T), located in coding exon 23 of the RAD50 gene, results from a C to T substitution at nucleotide position 3598. This changes the amino acid from an arginine to a stop codon within coding exon 23. This variant has been detected in 1/165 colorectal cancer and/or polyposis patients and not in 2512 control individuals from a healthy population database (Rosenthal EA et al. Hum Genet, 2018 Oct;137:795-806), in a glioblastoma multiforme cancer patient from a cohort of 4034 cancer cases from The Cancer Genome Atlas (Lu C et al. Nat Commun. 2015 Dec 22;6:10086), and in 1/1764 Chinese lung cancer patients (Tian P et al. Pathol Oncol Res, 2020 Jan;26:109-114). This variant is considered to be rare based on population cohorts in the Genome Aggregation Database (gnomAD). In addition to the clinical data presented in the literature, this alteration is expected to result in loss of function by premature protein truncation or nonsense-mediated mRNA decay. As such, this alteration is interpreted as a disease-causing mutation.

Revvity Omics, Revvity
Classification: Likely pathogenic for Nijmegen breakage syndrome-like disorder. Last evaluated: 2019-04-15. Review status: criteria provided, single submitter. Criteria: ACMG Guidelines, 2015. Collection method: clinical testing. Allele origin: germline.

Literature cited by the submitters: PubMed 19409520 (cited by Labcorp Genetics (formerly Invitae), Labcorp); PubMed 31721094 (cited by Quest Diagnostics Nichols Institute San Juan Capistrano and Ambry Genetics); PubMed 30267214 (cited by Quest Diagnostics Nichols Institute San Juan Capistrano and Ambry Genetics); PubMed 29625052 (cited by Quest Diagnostics Nichols Institute San Juan Capistrano and Ambry Genetics); PubMed 38355628 (cited by Quest Diagnostics Nichols Institute San Juan Capistrano); PubMed 36451132 (cited by Quest Diagnostics Nichols Institute San Juan Capistrano); PubMed 33471991 (cited by Quest Diagnostics Nichols Institute San Juan Capistrano); PubMed 34371384 (cited by Quest Diagnostics Nichols Institute San Juan Capistrano); PubMed 26689913 (cited by Ambry Genetics).